The following is an entry in ClinVar:

ClinVar aggregate classification (germline): Pathogenic. Review status: criteria provided, multiple submitters, no conflicts (2 of 4 stars). 3 submissions from 3 submitters: Pathogenic (3). Last evaluated 2026-09-29.

Conditions:
Inborn genetic diseases. Identifiers: MedGen C0950123, MeSH D030342.
Tumor predisposition syndrome 2 (TPDS2). Also called: MBD4-ASSOCIATED NEOPLASIA SYNDROME; MBD4-associated neoplasia syndrome (MANS); MBD4-Related Tumor Predisposition Syndrome. Identifiers: Orphanet 661526, MedGen C5774186, MONDO:0859267, OMIM 619975.

Submissions (3):

Myriad Genetics, Inc.
Classification: Pathogenic for Tumor predisposition syndrome 2. Last evaluated: 2026-09-29. Review status: criteria provided, single submitter. Criteria: Myriad Autosomal Dominant, Autosomal Recessive and X-Linked Classification Criteria (2023). Collection method: clinical testing. Allele origin: unknown.
Comment: This variant is considered pathogenic. This variant creates a frameshift predicted to result in premature protein truncation.

Labcorp Genetics (formerly Invitae), Labcorp
Classification: Pathogenic. Last evaluated: 2025-07-15. Review status: criteria provided, single submitter. Criteria: Invitae Variant Classification Sherloc (09022015). Collection method: clinical testing. Allele origin: germline.
Comment: This sequence change creates a premature translational stop signal (p.Ser171Thrfs*40) in the MBD4 gene. It is expected to result in an absent or disrupted protein product. Loss-of-function variants in MBD4 are known to be pathogenic (PMID: 30049810, 35460607). This variant is not present in population databases (gnomAD no frequency). This variant has not been reported in the literature in individuals affected with MBD4-related conditions. ClinVar contains an entry for this variant (Variation ID: 2704947). For these reasons, this variant has been classified as Pathogenic.

Ambry Genetics
Classification: Pathogenic for Inborn genetic diseases. Last evaluated: 2024-12-19. Review status: criteria provided, single submitter. Criteria: Ambry Variant Classification Scheme 2023. Collection method: clinical testing. Allele origin: germline.
Comment: The c.512_524del13 pathogenic mutation, located in coding exon 3 of the MBD4 gene, results from a deletion of 13 nucleotides at nucleotide positions 512 to 524, causing a translational frameshift with a predicted alternate stop codon (p.S171Tfs*40). This variant is considered to be rare based on population cohorts in the Genome Aggregation Database (gnomAD). This alteration is expected to result in loss of function by premature protein truncation or nonsense-mediated mRNA decay. As such, this alteration is interpreted as a disease-causing mutation.

Literature cited by the submitters: PubMed 30049810 (cited by Labcorp Genetics (formerly Invitae), Labcorp); PubMed 35460607 (cited by Labcorp Genetics (formerly Invitae), Labcorp).

NM_001276270.2(MBD4):c.512_524del (p.Ser171fs)

Gene: MBD4 (methyl-CpG binding domain 4, DNA glycosylase; minus strand). Cytogenetic location: 3q21.3.
Variant type: Deletion.
Coding change: c.512_524del on transcript NM_001276270.2 (MANE Select); coding-DNA positions 512 to 524, 13 bases deleted (GTAACAATTCAAA).
Protein change: p.Ser171fs; shifts the reading frame from serine 171.
Molecular consequence: frameshift variant. On other transcripts: intron variant (1).
Genome position (GRCh38, 1-based): chr3:129,437,120-129,437,132, TTTGAATTGTTAC deleted on the plus strand (GTAACAATTCAAA on the coding strand, the reverse complement: MBD4 is on the minus strand); deleting any 13 consecutive bases within chr3:129,437,120-129,437,136 gives the same sequence; the c. name uses the placement nearest the transcript's 3' end. VCF-style (leftmost placement, unchanged base first): chr3-129437119-GTTTGAATTGTTAC-G. GRCh37 (hg19) VCF-style: chr3-129155962-GTTTGAATTGTTAC-G.
Other names: c.512_524del, p.Ser171fs (NM_001276271.2, NM_001276272.2, NM_003925.3); c.247+676_247+688del (NM_001276273.2); c.512_524del13 (NM_001276270.2); short protein forms S171fs.
Identifiers: ClinVar variation 2704947 (VCV002704947.5), dbSNP rs2530722871, ClinGen allele CA2667582858.
Genomic context (GRCh38, chr3:129,437,119, plus strand): 5'-ACTACTACTTGGCGGCATAAACACATCCTTTTTGCACTTGCTTCGGGTCCTGAGGTTCCA[GTTTGAATTGTTAC>G]TTTGGTTTTGTAGATGGGATGTCAGGGCTGCCATGCTGCAGTCTTTATATCTTGACTTGA-3'